The following is an entry in ClinVar:

ClinVar aggregate classification (germline): Uncertain significance. Review status: criteria provided, multiple submitters, no conflicts (2 of 4 stars). 2 submissions from 2 submitters: Uncertain significance (2). Last evaluated 2024-11-25.

Allele frequency attached by ClinVar (database versions not stated): ExAC 0.00003; gnomAD 0.00004.
gnomAD v4.1: 37 of 1,613,744 alleles (0.0023%); highest among the groups gnomAD compares: Admixed American, 0.013%; 1 homozygote.

Submissions (2):

Labcorp Genetics (formerly Invitae), Labcorp
Classification: Uncertain significance. Last evaluated: 2024-11-25. Review status: criteria provided, single submitter. Criteria: Invitae Variant Classification Sherloc (09022015). Collection method: clinical testing. Allele origin: germline.
Comment: This sequence change replaces glycine, which is neutral and non-polar, with arginine, which is basic and polar, at codon 1103 of the ZNF687 protein (p.Gly1103Arg). This variant is present in population databases (rs773092269, gnomAD 0.01%). This variant has not been reported in the literature in individuals affected with ZNF687-related conditions. ClinVar contains an entry for this variant (Variation ID: 2395351). An algorithm developed to predict the effect of missense changes on protein structure and function (PolyPhen-2) suggests that this variant is likely to be tolerated. In summary, the available evidence is currently insufficient to determine the role of this variant in disease. Therefore, it has been classified as a Variant of Uncertain Significance.

Ambry Genetics
Classification: Uncertain significance. Last evaluated: 2021-10-12. Review status: criteria provided, single submitter. Criteria: Ambry Variant Classification Scheme 2023. Collection method: clinical testing. Allele origin: germline.

NM_020832.3(ZNF687):c.3307G>A (p.Gly1103Arg)

Gene: ZNF687 (zinc finger protein 687; plus strand). Cytogenetic location: 1q21.3.
Variant type: single nucleotide variant.
Coding change: c.3307G>A on transcript NM_020832.3 (MANE Select); coding-DNA position 3307, G replaced by A.
Protein change: p.Gly1103Arg; replaces glycine 1103 with arginine.
Molecular consequence: missense variant.
Genome position (GRCh38, 1-based): chr1:151,290,802, G>A. VCF-style: chr1-151290802-G-A. GRCh37 (hg19) VCF-style: chr1-151263278-G-A.
Other names: c.3307G>A, p.Gly1103Arg (NM_001304763.2, NM_001304764.2); short protein forms G1103R.
Identifiers: ClinVar variation 2395351 (VCV002395351.4), dbSNP rs773092269, ClinGen allele CA1088844.